The following is an entry in ClinVar:

NM_006949.4(STXBP2):c.246+5C>G

Gene: STXBP2 (syntaxin binding protein 2; plus strand). Cytogenetic location: 19p13.2.
Variant type: single nucleotide variant.
Coding change: c.246+5C>G on transcript NM_006949.4 (MANE Select); 5 bases into the intron after coding-DNA position 246, C replaced by G.
Molecular consequence: intron variant.
Genome position (GRCh38, 1-based): chr19:7,639,812, C>G. VCF-style: chr19-7639812-C-G. GRCh37 (hg19) VCF-style: chr19-7704698-C-G.
Other names: c.246+5C>G (NM_001272034.2, NM_001127396.3).
Identifiers: ClinVar variation 1514841 (VCV001514841.4), dbSNP rs369629603, ClinGen allele CA9143175.

ClinVar aggregate classification (germline): Uncertain significance. Review status: criteria provided, multiple submitters, no conflicts (2 of 4 stars). 2 submissions from 2 submitters: Uncertain significance (2). Last evaluated 2025-12-08.

Conditions:
Familial hemophagocytic lymphohistiocytosis 5. Also called: STXBP2-Related Familial Hemophagocytic Lymphohistiocytosis (STXBP2-fHLH). Identifiers: Orphanet 540, MedGen C2751293, MONDO:0013135, OMIM 613101.

Allele frequency attached by ClinVar (database versions not stated): gnomAD 0.00001; ExAC 0.00002; TOPMed 0.00002; ESP Exome Variant Server 0.00008.
gnomAD v4.1: 33 of 1,613,720 alleles (0.002%); highest among the groups gnomAD compares: East Asian, 0.0045%; no homozygotes.

Submissions (2):

Women's Health and Genetics/Laboratory Corporation of America, LabCorp
Classification: Uncertain significance. Last evaluated: 2025-12-08. Review status: criteria provided, single submitter. Criteria: LabCorp Variant Classification Summary - May 2015. Collection method: clinical testing. Allele origin: germline.

Labcorp Genetics (formerly Invitae), Labcorp
Classification: Uncertain significance for Familial hemophagocytic lymphohistiocytosis 5. Last evaluated: 2022-10-17. Review status: criteria provided, single submitter. Criteria: Invitae Variant Classification Sherloc (09022015). Collection method: clinical testing. Allele origin: germline.
Comment: This sequence change falls in intron 4 of the STXBP2 gene. It does not directly change the encoded amino acid sequence of the STXBP2 protein. It affects a nucleotide within the consensus splice site. This variant is present in population databases (rs369629603, gnomAD 0.004%). This variant has not been reported in the literature in individuals affected with STXBP2-related conditions. ClinVar contains an entry for this variant (Variation ID: 1514841). Variants that disrupt the consensus splice site are a relatively common cause of aberrant splicing (PMID: 17576681, 9536098). Algorithms developed to predict the effect of sequence changes on RNA splicing suggest that this variant may disrupt the consensus splice site. In summary, the available evidence is currently insufficient to determine the role of this variant in disease. Therefore, it has been classified as a Variant of Uncertain Significance.

Literature cited by the submitters: PubMed 17576681 (cited by Labcorp Genetics (formerly Invitae), Labcorp); PubMed 9536098 (cited by Labcorp Genetics (formerly Invitae), Labcorp).